The following is an entry in ClinVar:

NM_015346.4(ZFYVE26):c.620_621del (p.Pro207fs)

Gene: ZFYVE26 (zinc finger FYVE-type containing 26; minus strand). Cytogenetic location: 14q24.1.
Variant type: Deletion.
Coding change: c.620_621del on transcript NM_015346.4 (MANE Select); coding-DNA positions 620 to 621, 2 bases deleted (CT; older notation c.620_621delCT).
Protein change: p.Pro207fs; shifts the reading frame from proline 207.
Molecular consequence: frameshift variant.
Genome position (GRCh38, 1-based): chr14:67,807,663-67,807,664, AG deleted on the plus strand (CT on the coding strand, the reverse complement: ZFYVE26 is on the minus strand). VCF-style (leftmost placement, unchanged base first): chr14-67807662-CAG-C. GRCh37 (hg19) VCF-style: chr14-68274379-CAG-C.
Other names: short protein forms P207fs.
Identifiers: ClinVar variation 1725463 (VCV001725463.2), dbSNP rs2502880827, ClinGen allele CA2580088614.

ClinVar aggregate classification (germline): Likely pathogenic (1 of 4 stars; one submission).

Conditions:
Hereditary spastic paraplegia 15 (SPG15). Also called: SPASTIC PARAPLEGIA 15, AUTOSOMAL RECESSIVE; KJELLIN SYNDROME; SPASTIC PARAPLEGIA AND RETINAL DEGENERATION. Identifiers: Orphanet 100996, MedGen C1849128, MONDO:0010044, OMIM 270700.

Submission:

Myriad Genetics, Inc.
Classification: Likely pathogenic for Hereditary spastic paraplegia 15. Last evaluated: 2022-03-24. Review status: criteria provided, single submitter. Criteria: Myriad Women's Health Autosomal Recessive and X-Linked Classification Criteria (2021). Collection method: clinical testing. Allele origin: unknown.
Comment: NM_015346.3(ZFYVE26):c.620_621delCT(P207Rfs*28) is expected to be pathogenic in the context of spastic paraplegia type 15. This variant is predicted to lead to an abnormal or absent protein product due to the creation of a premature termination codon in ZFYVE26, a gene where loss-of-function variants are known to be pathogenic. Please note: this variant was assessed in the context of healthy population screening.